The following is an entry in ClinVar:

ClinVar aggregate classification (germline): Uncertain significance. Review status: criteria provided, multiple submitters, no conflicts (2 of 4 stars). 2 submissions from 2 submitters: Uncertain significance (2). Last evaluated 2024-12-16.

Conditions:
Dilated cardiomyopathy 1J (CMD1J). Also called: CARDIOMYOPATHY, DILATED, WITH SENSORINEURAL HEARING LOSS, AUTOSOMAL DOMINANT. Identifiers: Orphanet 217622, MedGen C1854368, MONDO:0011541, OMIM 605362.
Cardiovascular phenotype. Identifiers: MedGen CN230736.

Allele frequency attached by ClinVar (database versions not stated): gnomAD exomes 0.00001; TOPMed 0.00001; gnomAD 0.00003.
gnomAD v4.1: 15 of 1,612,726 alleles (0.00093%); highest among the groups gnomAD compares: African/African-American, 0.0027%; no homozygotes.

Submissions (2):

Labcorp Genetics (formerly Invitae), Labcorp
Classification: Uncertain significance for Dilated cardiomyopathy 1J. Last evaluated: 2024-12-16. Review status: criteria provided, single submitter. Criteria: Invitae Variant Classification Sherloc (09022015). Collection method: clinical testing. Allele origin: germline.
Comment: This sequence change falls in intron 15 of the EYA4 gene. It does not directly change the encoded amino acid sequence of the EYA4 protein. It affects a nucleotide within the consensus splice site. This variant is present in population databases (no rsID available, gnomAD 0.004%). This variant has not been reported in the literature in individuals affected with EYA4-related conditions. ClinVar contains an entry for this variant (Variation ID: 1011320). Variants that disrupt the consensus splice site are a relatively common cause of aberrant splicing (PMID: 17576681, 9536098). Algorithms developed to predict the effect of sequence changes on RNA splicing suggest that this variant is not likely to affect RNA splicing. In summary, the available evidence is currently insufficient to determine the role of this variant in disease. Therefore, it has been classified as a Variant of Uncertain Significance.

Ambry Genetics
Classification: Uncertain significance for Cardiovascular phenotype. Last evaluated: 2023-12-07. Review status: criteria provided, single submitter. Criteria: Ambry Variant Classification Scheme 2023. Collection method: clinical testing. Allele origin: germline.
Comment: The c.1340+3A>G intronic variant results from an A to G substitution 3 nucleotides after coding exon 14 in the EYA4 gene. This nucleotide position is well conserved in available vertebrate species. In silico splice site analysis predicts that this alteration will not have any significant effect on splicing. Since supporting evidence is limited at this time, the clinical significance of this alteration remains unclear.

Literature cited by the submitters: PubMed 17576681 (cited by Labcorp Genetics (formerly Invitae), Labcorp); PubMed 9536098 (cited by Labcorp Genetics (formerly Invitae), Labcorp).

NM_004100.5(EYA4):c.1340+3A>G

Genes: EYA4 (EYA transcriptional coactivator and phosphatase 4; plus strand), TARID (TCF21 antisense RNA inducing promoter demethylation; minus strand). Cytogenetic location: 6q23.2.
Variant type: single nucleotide variant.
Coding change: c.1340+3A>G on transcript NM_004100.5 (MANE Select); 3 bases into the intron after coding-DNA position 1340, A replaced by G.
Molecular consequence: intron variant.
Genome position (GRCh38, 1-based): chr6:133,512,782, A>G. VCF-style: chr6-133512782-A-G. GRCh37 (hg19) VCF-style: chr6-133833920-A-G.
Other names: c.1358+3A>G (NM_001301013.2); c.1340+3A>G (NM_172105.4, NM_004100.4); c.1271+3A>G (NM_001370458.1, NM_172103.4); c.1196+3A>G (NM_001370459.1); c.1178+3A>G (NM_001301012.2).
Identifiers: ClinVar variation 1011320 (VCV001011320.7), dbSNP rs1242472994, ClinGen allele CA570975826.